The following is an entry in ClinVar:

ClinVar aggregate classification (germline): Uncertain significance. Review status: criteria provided, multiple submitters, no conflicts (2 of 4 stars). 2 submissions from 2 submitters: Uncertain significance (2). Last evaluated 2023-07-22.

Conditions:
Inborn genetic diseases. Identifiers: MedGen C0950123, MeSH D030342.
Glomerulopathy with fibronectin deposits 2 (GFND2). Identifiers: Orphanet 84090, MedGen C1866075, MONDO:0011165, OMIM 601894.

Allele frequency attached by ClinVar (database versions not stated): TOPMed below 0.00001; gnomAD 0.00001; ExAC 0.00002.
gnomAD v4.1: 4 of 1,613,768 alleles (0.00025%); highest among the groups gnomAD compares: South Asian, 0.0033%; no homozygotes.

Submissions (2):

Neuberg Centre For Genomic Medicine, NCGM
Classification: Uncertain significance for Glomerulopathy with fibronectin deposits 2. Last evaluated: 2023-07-22. Review status: criteria provided, single submitter. Criteria: ACMG Guidelines, 2015. Collection method: clinical testing. Allele origin: germline. Inheritance: Autosomal dominant inheritance. Affected: yes.
Comment: The observed missense variant c.278C>Ap.Ala93Asp in FN1 gene has not been reported previously as a pathogenic variant nor as a benign variant, to our knowledge. The p.Ala93Asp variant is reported with 0.001% allele frequency in gnomAD Exomes. It has been submitted to ClinVar as Uncertain Significance. However, no details are available for independent assessment. The amino acid Ala at position 93 is changed to a Asp changing protein sequence and it might alter its composition and physico-chemical properties. Computational evidence Polyphen-Benign, SIFT-Tolerated and Mutation Taster-disease causing predicts conflicting evidence on protein structure and function for this variant.The reference amino acid p.Ala93Asp in FN1 is predicted as conserved by GERP++ and PhyloP across 100 vertebrates. The p.Ala93Asp variant is novel not in any individuals in 1000 Genomes. For these reasons, this variant has been classified as uncertain significance .

Ambry Genetics
Classification: Uncertain significance for Inborn genetic diseases. Last evaluated: 2023-03-14. Review status: criteria provided, single submitter. Criteria: Ambry Variant Classification Scheme 2023. Collection method: clinical testing. Allele origin: germline.

NM_212482.4(FN1):c.278C>A (p.Ala93Asp)

Genes: FN1 (fibronectin 1; minus strand), LOC126806499 (CDK7 strongly-dependent group 2 enhancer GRCh37_chr2:216298103-216299302; plus strand). Cytogenetic location: 2q35.
Variant type: single nucleotide variant.
Coding change: c.278C>A on transcript NM_212482.4 (MANE Select); coding-DNA position 278, C replaced by A.
Protein change: p.Ala93Asp; replaces alanine 93 with aspartic acid.
Molecular consequence: missense variant.
Genome position (GRCh38, 1-based): chr2:215,433,461, G>T on the plus strand (C>A on the coding strand, the complement: FN1 is on the minus strand). VCF-style: chr2-215433461-G-T. GRCh37 (hg19) VCF-style: chr2-216298184-G-T.
Other names: c.278C>A, p.Ala93Asp (NM_001306129.2, NM_001306130.2, NM_001306131.2 and 14 more transcripts); short protein forms A93D.
Identifiers: ClinVar variation 2496538 (VCV002496538.3), dbSNP rs750335671, ClinGen allele CA2095617.